The following is an entry in ClinVar:

ClinVar aggregate classification (germline): Uncertain significance. Review status: criteria provided, multiple submitters, no conflicts (2 of 4 stars). 2 submissions from 2 submitters: Uncertain significance (2). Last evaluated 2023-12-24.

Conditions:
Dyskeratosis congenita. Identifiers: Orphanet 1775, MedGen C0265965, MONDO:0015780.
Dyskeratosis congenita, autosomal dominant 2. Identifiers: MedGen C3151443, MONDO:0013521, OMIM 613989.
Idiopathic Pulmonary Fibrosis. Also called: Idiopathic fibrosing alveolitis, chronic form; idiopathic fibrosing alveolitis. Identifiers: Orphanet 2032, MedGen C1800706, MeSH D054990, MONDO:0800504.

Allele frequency attached by ClinVar (database versions not stated): gnomAD exomes below 0.00001.
gnomAD v4.1: 3 of 1,582,852 alleles (0.00019%); highest among the groups gnomAD compares: Non-Finnish European, 0.00026%; no homozygotes.

Submissions (2):

Ambry Genetics
Classification: Uncertain significance for Dyskeratosis congenita. Last evaluated: 2023-12-24. Review status: criteria provided, single submitter. Criteria: Ambry Variant Classification Scheme 2023. Collection method: clinical testing. Allele origin: germline.
Comment: The p.R237K variant (also known as c.710G>A), located in coding exon 2 of the TERT gene, results from a G to A substitution at nucleotide position 710. The arginine at codon 237 is replaced by lysine, an amino acid with highly similar properties. This amino acid position is conserved. In addition, this alteration is predicted to be tolerated by in silico analysis. Since supporting evidence is limited at this time, the clinical significance of this alteration remains unclear.

Labcorp Genetics (formerly Invitae), Labcorp
Classification: Uncertain significance for Dyskeratosis congenita, autosomal dominant 2; Idiopathic Pulmonary Fibrosis. Last evaluated: 2020-11-22. Review status: criteria provided, single submitter. Criteria: Invitae Variant Classification Sherloc (09022015). Collection method: clinical testing. Allele origin: germline.
Comment: In summary, the available evidence is currently insufficient to determine the role of this variant in disease. Therefore, it has been classified as a Variant of Uncertain Significance. Algorithms developed to predict the effect of sequence changes on RNA splicing suggest that this variant may create or strengthen a splice site, but this prediction has not been confirmed by published transcriptional studies. Algorithms developed to predict the effect of missense changes on protein structure and function output the following: SIFT: "Tolerated"; PolyPhen-2: "Benign"; Align-GVGD: "Class C0". The lysine amino acid residue is found in multiple mammalian species, suggesting that this missense change does not adversely affect protein function. These predictions have not been confirmed by published functional studies and their clinical significance is uncertain. This variant has not been reported in the literature in individuals with TERT-related conditions. This variant is not present in population databases (ExAC no frequency). This sequence change replaces arginine with lysine at codon 237 of the TERT protein (p.Arg237Lys). The arginine residue is moderately conserved and there is a small physicochemical difference between arginine and lysine.

NM_198253.3(TERT):c.710G>A (p.Arg237Lys)

Gene: TERT (telomerase reverse transcriptase; minus strand). Cytogenetic location: 5p15.33.
Variant type: single nucleotide variant.
Coding change: c.710G>A on transcript NM_198253.3 (MANE Select); coding-DNA position 710, G replaced by A.
Protein change: p.Arg237Lys; replaces arginine 237 with lysine.
Molecular consequence: missense variant. On other transcripts: non-coding transcript variant (2).
Genome position (GRCh38, 1-based): chr5:1,294,176, C>T on the plus strand (G>A on the coding strand, the complement: TERT is on the minus strand). VCF-style: chr5-1294176-C-T. GRCh37 (hg19) VCF-style: chr5-1294291-C-T.
Other names: c.710G>A, p.Arg237Lys (NM_001193376.3); short protein forms R237K.
Identifiers: ClinVar variation 860475 (VCV000860475.11), dbSNP rs1751214368, ClinGen allele CA359056977.
Genomic context (GRCh38, chr5:1,294,176, plus strand): 5'-GCCCAGGACCCCTGCCCAACGGGCGTCCGCTCCGGCTCAGGGGCAGCGCCACGCCTGGGC[C>T]TCTTGGGCAACGGCAGACTTCGGCTGGCACTGCCCCCGCGCCTCCTCGCACCCGGGGCTG-3'
Protein context (NP_937983.2, residues 227-247): SASRSLPLPK[Arg237Lys]PRRGAAPEPE